The following is an entry in ClinVar:

ClinVar aggregate classification (germline): Uncertain significance (1 of 4 stars; one submission).

Allele frequency attached by ClinVar (database versions not stated): gnomAD exomes below 0.00001; ExAC 0.00002; ESP Exome Variant Server 0.00008.
gnomAD v4.1: 2 of 1,613,946 alleles (0.00012%); highest among the groups gnomAD compares: Non-Finnish European, 0.00017%; no homozygotes.

Submission:

Labcorp Genetics (formerly Invitae), Labcorp
Classification: Uncertain significance. Last evaluated: 2024-01-26. Review status: criteria provided, single submitter. Criteria: Invitae Variant Classification Sherloc (09022015). Collection method: clinical testing. Allele origin: germline.
Comment: This sequence change replaces alanine, which is neutral and non-polar, with serine, which is neutral and polar, at codon 1767 of the FOCAD protein (p.Ala1767Ser). This variant is present in population databases (rs369371646, gnomAD 0.0009%). This variant has not been reported in the literature in individuals affected with FOCAD-related conditions. Experimental studies and prediction algorithms are not available or were not evaluated, and the functional significance of this variant is currently unknown. In summary, the available evidence is currently insufficient to determine the role of this variant in disease. Therefore, it has been classified as a Variant of Uncertain Significance.

NM_001375567.1(FOCAD):c.5299G>T (p.Ala1767Ser)

Gene: FOCAD (focadhesin; plus strand). Cytogenetic location: 9p21.3.
Variant type: single nucleotide variant.
Coding change: c.5299G>T on transcript NM_001375567.1 (MANE Select); coding-DNA position 5299, G replaced by T.
Protein change: p.Ala1767Ser; replaces alanine 1767 with serine.
Molecular consequence: missense variant.
Genome position (GRCh38, 1-based): chr9:20,993,295, G>T. VCF-style: chr9-20993295-G-T. GRCh37 (hg19) VCF-style: chr9-20993294-G-T.
Other names: c.5194G>T, p.Ala1732Ser (NM_001375568.1, NM_001375570.1); c.5299G>T, p.Ala1767Ser (NM_017794.5); short protein forms A1732S, A1767S.
Identifiers: ClinVar variation 2908841 (VCV002908841.3), dbSNP rs369371646, ClinGen allele CA5008264.